The following is an entry in ClinVar:

NM_177438.3(DICER1):c.3373A>T (p.Ser1125Cys)

Gene: DICER1 (dicer 1, ribonuclease III; minus strand). Cytogenetic location: 14q32.13.
Variant type: single nucleotide variant.
Coding change: c.3373A>T on transcript NM_177438.3 (MANE Select); coding-DNA position 3373, A replaced by T.
Protein change: p.Ser1125Cys; replaces serine 1125 with cysteine.
Molecular consequence: missense variant.
Genome position (GRCh38, 1-based): chr14:95,104,023, T>A on the plus strand (A>T on the coding strand, the complement: DICER1 is on the minus strand). VCF-style: chr14-95104023-T-A. GRCh37 (hg19) VCF-style: chr14-95570360-T-A.
Other names: c.3373A>T, p.Ser1125Cys (NM_001195573.1, NM_001271282.3, NM_001291628.2 and 1 more transcripts); short protein forms S1125C.
Identifiers: ClinVar variation 1463010 (VCV001463010.9), dbSNP rs2139970050, ClinGen allele CA390875694.
Genomic context (GRCh38, chr14:95,104,023, plus strand): 5'-TTTCTAGAGAGGAGGTTCTATTAGCACCTTGATGTGCAGCATTTTCAGGGACAATTGTGC[T>A]GTGCTTACAGTAATTATCATTTTCAGCTGAAGAGGAGTTAGAAATTGAGATGAAAGATTT-3'
Protein context (NP_803187.1, residues 1115-1135): SAENDNYCKH[Ser1125Cys]TIVPENAAHQ

ClinVar aggregate classification (germline): Uncertain significance (1 of 4 stars; one submission).

Conditions:
DICER1-related tumor predisposition. Also called: DICER1-related pleuropulmonary blastoma cancer predisposition syndrome; DICER1 syndrome. Identifiers: Orphanet 284343, MedGen C3839822, MONDO:0100216.

Submission:

Labcorp Genetics (formerly Invitae), Labcorp
Classification: Uncertain significance for DICER1-related tumor predisposition. Last evaluated: 2021-07-03. Review status: criteria provided, single submitter. Criteria: Invitae Variant Classification Sherloc (09022015). Collection method: clinical testing. Allele origin: germline.
Comment: This sequence change replaces serine with cysteine at codon 1125 of the DICER1 protein (p.Ser1125Cys). The serine residue is moderately conserved and there is a moderate physicochemical difference between serine and cysteine. This variant is not present in population databases (ExAC no frequency). This variant has not been reported in the literature in individuals affected with DICER1-related conditions. Algorithms developed to predict the effect of missense changes on protein structure and function are either unavailable or do not agree on the potential impact of this missense change (SIFT: "Deleterious"; PolyPhen-2: "Possibly Damaging"; Align-GVGD: "Class C15"). In summary, the available evidence is currently insufficient to determine the role of this variant in disease. Therefore, it has been classified as a Variant of Uncertain Significance.